The following is an entry in ClinVar:

NM_000093.5(COL5A1):c.2485-11C>T

Gene: COL5A1 (collagen type V alpha 1 chain; plus strand). Cytogenetic location: 9q34.3.
Variant type: single nucleotide variant.
Coding change: c.2485-11C>T on transcript NM_000093.5 (MANE Select); 11 bases into the intron before coding-DNA position 2485, C replaced by T.
Molecular consequence: intron variant.
Genome position (GRCh38, 1-based): chr9:134,784,978, C>T. VCF-style: chr9-134784978-C-T. GRCh37 (hg19) VCF-style: chr9-137676824-C-T.
Other names: c.2485-11C>T (NM_000093.4, NM_001278074.1).
Identifiers: ClinVar variation 212896 (VCV000212896.12), dbSNP rs756350498, ClinGen allele CA324548.
Genomic context (GRCh38, chr9:134,784,978, plus strand): 5'-CTCAGAATGGTGGTGGAGAATAGTGTGTGTGCGGGGGGTGGTCTTCTCACCTCCTCTTTT[C>T]TGGCTTGCAGGGGGAGATCGGCCCACCCGGTCCCAGGGGAGAAGATGGCCCTGAAGGCCC-3'

ClinVar aggregate classification (germline): Benign/Likely benign. Review status: criteria provided, multiple submitters, no conflicts (2 of 4 stars). 5 submissions from 4 submitters: Benign (3); Likely benign (2). Last evaluated 2026-01-21.

Conditions:
Fibromuscular dysplasia, multifocal. Identifiers: MedGen C5543412, MONDO:0859151, OMIM 619329.
Ehlers-Danlos syndrome, classic type, 1 (EDSCL1). Also called: Ehlers-Danlos Syndrome, Classic Type, COL5A1-Related; EHLERS-DANLOS SYNDROME, GRAVIS TYPE; EHLERS-DANLOS SYNDROME, SEVERE CLASSIC TYPE; Ehlers-Danlos syndrome, type 1; EDS I. Identifiers: MedGen C0268335, MONDO:0019567, OMIM 130000.

Allele frequency attached by ClinVar (database versions not stated): TOPMed 0.00002; gnomAD 0.00001; gnomAD exomes 0.00001 and 0.00002; ExAC 0.00002.
gnomAD v4.1: 17 of 1,607,880 alleles (0.0011%); highest among the groups gnomAD compares: Middle Eastern, 0.033%; no homozygotes.

Submissions (5):

Labcorp Genetics (formerly Invitae), Labcorp
Classification: Likely benign for Ehlers-Danlos syndrome, classic type, 1. Last evaluated: 2026-01-21. Review status: criteria provided, single submitter. Criteria: Invitae Variant Classification Sherloc (09022015). Collection method: clinical testing. Allele origin: germline.

Women's Health and Genetics/Laboratory Corporation of America, LabCorp
Classification: Likely benign. Last evaluated: 2024-12-12. Review status: criteria provided, single submitter. Criteria: LabCorp Variant Classification Summary - May 2015. Collection method: clinical testing. Allele origin: germline.

Genome-Nilou Lab
Classification: Benign for Ehlers-Danlos syndrome, classic type, 1. Last evaluated: 2022-03-15. Review status: criteria provided, single submitter. Criteria: ACMG Guidelines, 2015. Collection method: clinical testing. Allele origin: germline. Affected: no.

Genome-Nilou Lab
Classification: Benign for Fibromuscular dysplasia, multifocal. Last evaluated: 2022-03-15. Review status: criteria provided, single submitter. Criteria: ACMG Guidelines, 2015. Collection method: clinical testing. Allele origin: germline. Affected: no.

GeneDx
Classification: Benign. Last evaluated: 2015-04-17. Review status: criteria provided, single submitter. Criteria: GeneDx Variant Classification (06012015). Collection method: clinical testing. Allele origin: germline. Affected: yes.
Comment: This variant is considered likely benign or benign based on one or more of the following criteria: it is a conservative change, it occurs at a poorly conserved position in the protein, it is predicted to be benign by multiple in silico algorithms, and/or has population frequency not consistent with disease.